The following is an entry in ClinVar:

ClinVar aggregate classification (germline): Uncertain significance. Review status: criteria provided, multiple submitters, no conflicts (2 of 4 stars). 4 submissions from 4 submitters: Uncertain significance (3). 1 of the submissions does not count toward it. Last evaluated 2024-10-01.

Conditions:
LRBA-related disorder. Also called: LRBA-related condition.
Combined immunodeficiency due to LRBA deficiency. Also called: Common variable immunodeficiency 8, with autoimmunity. Identifiers: Orphanet 445018, MedGen C3553512, MONDO:0013863, OMIM 614700.
Inborn genetic diseases. Identifiers: MedGen C0950123, MeSH D030342.

Allele frequency attached by ClinVar (database versions not stated): gnomAD exomes 0.00004 and 0.00012; ExAC 0.00016; 1000 Genomes Project 30x 0.00031; 1000 Genomes Project 0.00040; gnomAD 0.00046 and 0.00054; TOPMed 0.00053; ESP Exome Variant Server 0.00085.
gnomAD v4.1: 129 of 1,590,478 alleles (0.0081%); highest among the groups gnomAD compares: African/African-American, 0.16%; no homozygotes.

Submissions (4):

CeGaT Center for Human Genetics Tuebingen
Classification: Uncertain significance. Last evaluated: 2024-10-01. Review status: criteria provided, single submitter. Criteria: CeGaT Center For Human Genetics Tuebingen Variant Classification Criteria Version 2. Collection method: clinical testing. Allele origin: germline. Affected: yes. Observed: 1 variant allele.
Comment: LRBA: PM2

Ambry Genetics
Classification: Uncertain significance for Inborn genetic diseases. Last evaluated: 2024-07-27. Review status: criteria provided, single submitter. Criteria: Ambry Variant Classification Scheme 2023. Collection method: clinical testing. Allele origin: germline.

Labcorp Genetics (formerly Invitae), Labcorp
Classification: Uncertain significance for Combined immunodeficiency due to LRBA deficiency. Last evaluated: 2022-07-19. Review status: criteria provided, single submitter. Criteria: Invitae Variant Classification Sherloc (09022015). Collection method: clinical testing. Allele origin: germline.
Comment: This sequence change replaces aspartic acid, which is acidic and polar, with asparagine, which is neutral and polar, at codon 2169 of the LRBA protein (p.Asp2169Asn). This variant is present in population databases (rs145663124, gnomAD 0.2%). This variant has not been reported in the literature in individuals affected with LRBA-related conditions. ClinVar contains an entry for this variant (Variation ID: 947827). Algorithms developed to predict the effect of missense changes on protein structure and function are either unavailable or do not agree on the potential impact of this missense change (SIFT: "Tolerated"; PolyPhen-2: "Probably Damaging"; Align-GVGD: "Class C0"). In summary, the available evidence is currently insufficient to determine the role of this variant in disease. Therefore, it has been classified as a Variant of Uncertain Significance.

PreventionGenetics, part of Exact Sciences
Classification: Uncertain significance for LRBA-related condition. Last evaluated: 2024-07-25. Review status: no assertion criteria provided. Collection method: clinical testing. Allele origin: germline. Not counted in ClinVar's aggregate classification.
Comment: The LRBA c.6505G>A variant is predicted to result in the amino acid substitution p.Asp2169Asn. To our knowledge, this variant has not been reported in the literature. This variant is reported in 0.17% of alleles in individuals of African descent in gnomAD. At this time, the clinical significance of this variant is uncertain due to the absence of conclusive functional and genetic evidence.

NM_001364905.1(LRBA):c.6472G>A (p.Asp2158Asn)

Gene: LRBA (LPS responsive beige-like anchor protein; minus strand). Cytogenetic location: 4q31.3.
Variant type: single nucleotide variant.
Coding change: c.6472G>A on transcript NM_001364905.1 (MANE Select); coding-DNA position 6472, G replaced by A.
Protein change: p.Asp2158Asn; replaces aspartic acid 2158 with asparagine.
Molecular consequence: missense variant.
Genome position (GRCh38, 1-based): chr4:150,487,811, C>T on the plus strand (G>A on the coding strand, the complement: LRBA is on the minus strand). VCF-style: chr4-150487811-C-T. GRCh37 (hg19) VCF-style: chr4-151408963-C-T.
Other names: c.6472G>A, p.Asp2158Asn (NM_001199282.3, NM_001367550.1); c.6505G>A, p.Asp2169Asn (NM_006726.5); short protein forms D2158N, D2169N.
Identifiers: ClinVar variation 947827 (VCV000947827.23), dbSNP rs145663124, ClinGen allele CA3101917.